The following is an entry in ClinVar:

NM_181486.4(TBX5):c.202del (p.His68fs)

Gene: TBX5 (T-box transcription factor 5; minus strand). Cytogenetic location: 12q24.21.
Variant type: Deletion.
Coding change: c.202del on transcript NM_181486.4 (MANE Select); coding-DNA position 202, one base deleted (C; older notation c.202delC).
Protein change: p.His68fs; shifts the reading frame from histidine 68.
Molecular consequence: frameshift variant.
Genome position (GRCh38, 1-based): chr12:114,401,866, G deleted on the plus strand (C on the coding strand, the reverse complement: TBX5 is on the minus strand); the first of 2 consecutive G bases (chr12:114,401,866-114,401,867); deleting either gives the same sequence. VCF-style (leftmost placement, unchanged base first): chr12-114401865-TG-T. GRCh37 (hg19) VCF-style: chr12-114839670-TG-T.
Other names: c.202del, p.His68fs (NM_000192.3); c.52del, p.His18fs (NM_080717.4); c.202delC (NM_000192.3); short protein forms H68fs, H18fs.
Identifiers: ClinVar variation 373079 (VCV000373079.2), dbSNP rs1057518199, ClinGen allele CA16042786.

ClinVar aggregate classification (germline): Pathogenic (1 of 4 stars; one submission).

Submission:

GeneDx
Classification: Pathogenic. Last evaluated: 2016-10-25. Review status: criteria provided, single submitter. Criteria: GeneDx Variant Classification (06012015). Collection method: clinical testing. Allele origin: germline. Affected: yes.
Comment: The c.202delC variant in the TBX5 gene causes a frameshift starting with codon Histidine 68, changes this amino acid to a Threonine residue and creates a premature Stop codon at position 7 of the new reading frame, denoted p.His68ThrfsX7. This pathogenic variant is predicted to cause loss of normal protein function either through protein truncation or nonsense-mediated mRNA decay. The variant was not observed in approximately 6,500 individuals of European and African American ancestry in the NHLBI Exome Sequencing Project, indicating it is not a common benign variant in these populations.